The following is an entry in ClinVar:

ClinVar aggregate classification (germline): Uncertain significance (1 of 4 stars; one submission).

Conditions:
Cardiovascular phenotype. Identifiers: MedGen CN230736.

gnomAD v4.1: 2 of 1,600,534 alleles (0.00012%); highest among the groups gnomAD compares: East Asian, 0.0022%; no homozygotes.

Submission:

Ambry Genetics
Classification: Uncertain significance for Cardiovascular phenotype. Last evaluated: 2026-01-17. Review status: criteria provided, single submitter. Criteria: Ambry Variant Classification Scheme 2023. Collection method: clinical testing. Allele origin: germline.
Comment: The p.L2231F variant (also known as c.6693G>T), located in coding exon 26 of the APOB gene, results from a G to T substitution at nucleotide position 6693. The leucine at codon 2231 is replaced by phenylalanine, an amino acid with highly similar properties. This amino acid position is conserved. In addition, this alteration is predicted to be tolerated by in silico analysis. Based on the available evidence, the clinical significance of this variant remains unclear.

NM_000384.3(APOB):c.6693G>T (p.Leu2231Phe)

Gene: APOB (apolipoprotein B; minus strand). Cytogenetic location: 2p24.1.
Variant type: single nucleotide variant.
Coding change: c.6693G>T on transcript NM_000384.3 (MANE Select); coding-DNA position 6693, G replaced by T.
Protein change: p.Leu2231Phe; replaces leucine 2231 with phenylalanine.
Molecular consequence: missense variant.
Genome position (GRCh38, 1-based): chr2:21,010,175, C>A on the plus strand (G>T on the coding strand, the complement: APOB is on the minus strand). VCF-style: chr2-21010175-C-A. GRCh37 (hg19) VCF-style: chr2-21233047-C-A.
Other names: short protein forms L2231F.
Identifiers: ClinVar variation 4824421 (VCV004824421.1).
Genomic context (GRCh38, chr2:21,010,175, plus strand): 5'-ATTTTGAATCCAGGATGCAGTACTACTTCCACTTTTGTTAAAATCAATATTTTCAATAAA[C>A]AAATGTAGATCATGGATTGTTTTTACTAAATTTACACGGATATGATAGTGCTCATCAAGA-3'
Protein context (NP_000375.3, residues 2221-2241): NLVKTIHDLH[Leu2231Phe]FIENIDFNKS